The following is an entry in ClinVar:

NM_001017980.4(VMA21):c.194A>G (p.Tyr65Cys)

Gene: VMA21 (vacuolar ATPase assembly factor VMA21; plus strand). Cytogenetic location: Xq28.
Variant type: single nucleotide variant.
Coding change: c.194A>G on transcript NM_001017980.4 (MANE Select); coding-DNA position 194, A replaced by G.
Protein change: p.Tyr65Cys; replaces tyrosine 65 with cysteine.
Molecular consequence: missense variant.
Genome position (GRCh38, 1-based): chrX:151,404,946, A>G. VCF-style: chrX-151404946-A-G. GRCh37 (hg19) VCF-style: chrX-150573418-A-G.
Other names: c.359A>G, p.Tyr120Cys (NM_001363810.1); c.194A>G (NM_001017980.3); short protein forms Y120C, Y65C.
Identifiers: ClinVar variation 1695322 (VCV001695322.35), dbSNP rs146336700, ClinGen allele CA10540583.
Genomic context (GRCh38, chrX:151,404,946, plus strand): 5'-AAATGGAAACTGTTTTTTTTCTCTTGATAGGCGCCCTTGGGATGTCCAATAGGGACAGCT[A>G]TTTTTACGCTGCTATTGTTGCAGTGGTCGCCGTCCATGTGGTGCTGGCCCTCTTTGTGTA-3'
Protein context (NP_001017980.1, residues 55-75): GALGMSNRDS[Tyr65Cys]FYAAIVAVVA

ClinVar aggregate classification (germline): Uncertain significance. Review status: criteria provided, multiple submitters, no conflicts (2 of 4 stars). 3 submissions from 3 submitters: Uncertain significance (3). Last evaluated 2025-09-13.

Conditions:
Inborn genetic diseases. Identifiers: MedGen C0950123, MeSH D030342.
X-linked myopathy with excessive autophagy (AVM). Also called: Vacuolar myopathy; Autophagic vacuolar myopathy. Identifiers: Orphanet 25980, MedGen C1839615, MONDO:0010684, OMIM 310440.

Allele frequency attached by ClinVar (database versions not stated): gnomAD 0.00002; gnomAD exomes 0.00002 and 0.00005; ExAC 0.00003; TOPMed 0.00003; ESP Exome Variant Server 0.00009.
gnomAD v4.1: 55 of 1,206,557 alleles (0.0046%); highest among the groups gnomAD compares: Non-Finnish European, 0.0056%; no homozygotes.

Submissions (3):

Labcorp Genetics (formerly Invitae), Labcorp
Classification: Uncertain significance for X-linked myopathy with excessive autophagy. Last evaluated: 2025-09-13. Review status: criteria provided, single submitter. Criteria: Invitae Variant Classification Sherloc (09022015). Collection method: clinical testing. Allele origin: germline.
Comment: This sequence change replaces tyrosine, which is neutral and polar, with cysteine, which is neutral and slightly polar, at codon 65 of the VMA21 protein (p.Tyr65Cys). This variant is present in population databases (rs146336700, gnomAD 0.005%). This variant has not been reported in the literature in individuals affected with VMA21-related conditions. ClinVar contains an entry for this variant (Variation ID: 1695322). An algorithm developed to predict the effect of missense changes on protein structure and function (PolyPhen-2) suggests that this variant is likely to be disruptive. In summary, the available evidence is currently insufficient to determine the role of this variant in disease. Therefore, it has been classified as a Variant of Uncertain Significance.

Ambry Genetics
Classification: Uncertain significance for Inborn genetic diseases. Last evaluated: 2023-09-12. Review status: criteria provided, single submitter. Criteria: Ambry Variant Classification Scheme 2023. Collection method: clinical testing. Allele origin: germline.

CeGaT Center for Human Genetics Tuebingen
Classification: Uncertain significance. Last evaluated: 2022-05-01. Review status: criteria provided, single submitter. Criteria: CeGaT Center For Human Genetics Tuebingen Variant Classification Criteria Version 2. Collection method: clinical testing. Allele origin: germline. Affected: yes. Observed: 1 variant allele.